The following is an entry in ClinVar:

ClinVar aggregate classification (germline): Pathogenic (1 of 4 stars; one submission).

Conditions:
Cataract 1 multiple types. Also called: CATARACT 1, MULTIPLE TYPES, WITH OR WITHOUT MICROCORNEA; CATARACT 1, NUCLEAR PROGRESSIVE; CATARACT 1 WITH MICROCORNEA; CATARACT 1, POSTERIOR SUBCAPSULAR, WITH MICROCORNEA; CATARACT 1, STELLATE NUCLEAR, WITH MICROCORNEA; CATARACT, DUFFY-LINKED. Identifiers: Orphanet 1377, MedGen C1861828, MONDO:0007285, OMIM 116200.

Submission:

Labcorp Genetics (formerly Invitae), Labcorp
Classification: Pathogenic for Cataract 1 multiple types. Last evaluated: 2019-05-14. Review status: criteria provided, single submitter. Criteria: Invitae Variant Classification Sherloc (09022015). Collection method: clinical testing. Allele origin: germline.
Comment: For these reasons, this variant has been classified as Pathogenic. This variant disrupts the p.Glu201 amino acid residue in GJA8. Other variant(s) that disrupt this residue have been determined to be pathogenic (PMID: 23555834). This suggests that this residue is clinically significant, and that variants that disrupt this residue are likely to be disease-causing. Algorithms developed to predict the effect of missense changes on protein structure and function (SIFT, PolyPhen-2, Align-GVGD) all suggest that this variant is likely to be disruptive, but these predictions have not been confirmed by published functional studies and their clinical significance is uncertain. This variant is not present in population databases (ExAC no frequency). This sequence change replaces glutamic acid with glycine at codon 201 of the GJA8 protein (p.Glu201Gly). The glutamic acid residue is highly conserved and there is a moderate physicochemical difference between glutamic acid and glycine.

Literature cited by the submitters: PubMed 23555834.

NM_005267.5(GJA8):c.602A>G (p.Glu201Gly)

Gene: GJA8 (gap junction protein alpha 8; plus strand). Cytogenetic location: 1q21.2.
Variant type: single nucleotide variant.
Coding change: c.602A>G on transcript NM_005267.5 (MANE Select); coding-DNA position 602, A replaced by G.
Protein change: p.Glu201Gly; replaces glutamic acid 201 with glycine.
Molecular consequence: missense variant.
Genome position (GRCh38, 1-based): chr1:147,908,557, A>G. VCF-style: chr1-147908557-A-G. GRCh37 (hg19) VCF-style: chr1-147380684-A-G.
Other names: short protein forms E201G.
Identifiers: ClinVar variation 861618 (VCV000861618.9), dbSNP rs1651919374, ClinGen allele CA342224952.